The following is an entry in ClinVar:

ClinVar aggregate classification (germline): Conflicting classifications of pathogenicity. Review status: criteria provided, conflicting classifications (1 of 4 stars). 3 submissions from 3 submitters: Uncertain significance (2); Likely benign (1). Last evaluated 2025-10-28.

Conditions:
COG1 congenital disorder of glycosylation (CDG2G). Also called: CONGENITAL DISORDER OF GLYCOSYLATION, TYPE IIg; CDG IIg; CDGII/COG1 CEREBROCOSTOMANDIBULAR-LIKE SYNDROME. Identifiers: Orphanet 263508, MedGen C2931011, MONDO:0012637, OMIM 611209.
Inborn genetic diseases. Identifiers: MedGen C0950123, MeSH D030342.

Allele frequency attached by ClinVar (database versions not stated): gnomAD exomes 0.00001; ExAC 0.00002; gnomAD 0.00002; TOPMed 0.00002; ESP Exome Variant Server 0.00015.

Submissions (3):

Ambry Genetics
Classification: Uncertain significance for Inborn genetic diseases. Last evaluated: 2025-10-28. Review status: criteria provided, single submitter. Criteria: Ambry Variant Classification Scheme 2023. Collection method: clinical testing. Allele origin: germline.

Blueprint Genetics
Classification: Likely benign. Last evaluated: 2024-11-21. Review status: criteria provided, single submitter. Criteria: ACMG Guidelines, 2015. Collection method: clinical testing. Allele origin: germline.

Baylor Genetics
Classification: Uncertain significance for COG1 congenital disorder of glycosylation. Last evaluated: 2019-09-30. Review status: criteria provided, single submitter. Criteria: ACMG Guidelines, 2015. Collection method: clinical testing. Allele origin: unknown. Affected: yes.
Comment: This variant was determined to be of uncertain significance according to ACMG Guidelines, 2015 [PMID:25741868].

NM_018714.3(COG1):c.1367C>G (p.Thr456Ser)

Gene: COG1 (component of oligomeric golgi complex 1; plus strand). Cytogenetic location: 17q25.1.
Variant type: single nucleotide variant.
Coding change: c.1367C>G on transcript NM_018714.3 (MANE Select); coding-DNA position 1367, C replaced by G.
Protein change: p.Thr456Ser; replaces threonine 456 with serine.
Molecular consequence: missense variant.
Genome position (GRCh38, 1-based): chr17:73,201,194, C>G. VCF-style: chr17-73201194-C-G. GRCh37 (hg19) VCF-style: chr17-71197333-C-G.
Other names: short protein forms T456S.
Identifiers: ClinVar variation 1029715 (VCV001029715.5), dbSNP rs140675600, ClinGen allele CA8740222.
Genomic context (GRCh38, chr17:73,201,194, plus strand): 5'-CCATCTCCAGTAGCTCCAAGGAGCTCTTGGTTTCAGCTTTGCAGGAACTTGAAAGCAGCA[C>G]CAGCAACTCCCCTTCAAATAAGCACATCCACTTTGAGTACAACATGTCGCTCTTCCTCTG-3'
Protein context (NP_061184.1, residues 446-466): VSALQELESS[Thr456Ser]SNSPSNKHIH